The following is an entry in ClinVar:

NM_005477.3(HCN4):c.2738C>T (p.Ala913Val)

Gene: HCN4 (hyperpolarization activated cyclic nucleotide gated potassium channel 4; minus strand). Cytogenetic location: 15q24.1.
Variant type: single nucleotide variant.
Coding change: c.2738C>T on transcript NM_005477.3 (MANE Select); coding-DNA position 2738, C replaced by T.
Protein change: p.Ala913Val; replaces alanine 913 with valine.
Molecular consequence: missense variant.
Genome position (GRCh38, 1-based): chr15:73,323,355, G>A on the plus strand (C>T on the coding strand, the complement: HCN4 is on the minus strand). VCF-style: chr15-73323355-G-A. GRCh37 (hg19) VCF-style: chr15-73615696-G-A.
Other names: short protein forms A913V.
Identifiers: ClinVar variation 1326530 (VCV001326530.14), dbSNP rs777560053, ClinGen allele CA7648962.

ClinVar aggregate classification (germline): Conflicting classifications of pathogenicity. Review status: criteria provided, conflicting classifications (1 of 4 stars). 6 submissions from 6 submitters: Uncertain significance (5); Likely benign (1). Last evaluated 2026-08-13.

Conditions:
HCN4-related disorder. Also called: HCN4-related condition.
Epilepsy, idiopathic generalized, susceptibility to, 18. Identifiers: MedGen C5561983, MONDO:0030434, OMIM 619521.
Sick sinus syndrome 2, autosomal dominant (SSS2). Also called: SINUS BRADYCARDIA SYNDROME, FAMILIAL, AUTOSOMAL DOMINANT; SINUS NODE DISEASE, FAMILIAL, AUTOSOMAL DOMINANT; SICK SINUS SYNDROME 2; SICK SINUS SYNDROME 2 WITH OR WITHOUT CARDIAC NONCOMPACTION AND/OR ASCENDING AORTA DILATION; ATRIAL FIBRILLATION WITH BRADYARRHYTHMIA. Identifiers: Orphanet 166282, MedGen C1834144, MONDO:0008102, OMIM 163800.
Brugada syndrome 8 (BRGDA8). Identifiers: Orphanet 130, MedGen C2751083, MONDO:0013148, OMIM 613123.
Cardiovascular phenotype. Identifiers: MedGen CN230736.

Allele frequency attached by ClinVar (database versions not stated): gnomAD 0.00001; gnomAD exomes 0.00001; TOPMed 0.00003.
gnomAD v4.1: 12 of 1,574,496 alleles (0.00076%); highest among the groups gnomAD compares: African/African-American, 0.0027%; no homozygotes.

Submissions (6):

PreventionGenetics, part of Exact Sciences
Classification: Uncertain significance for HCN4-related condition. Last evaluated: 2026-08-13. Review status: criteria provided, single submitter. Criteria: ACMG Guidelines, 2015. Collection method: clinical testing. Allele origin: germline.
Comment: The HCN4 c.2738C>T variant is predicted to result in the amino acid substitution p.Ala913Val. To our knowledge, this variant has not been reported in the literature. This variant is reported in 0.0060% of alleles in individuals of European (Finnish) descent in gnomAD. At this time, the clinical significance of this variant is uncertain due to the absence of conclusive functional and genetic evidence.

Ambry Genetics
Classification: Uncertain significance for Cardiovascular phenotype. Last evaluated: 2025-10-23. Review status: criteria provided, single submitter. Criteria: Ambry Variant Classification Scheme 2023. Collection method: clinical testing. Allele origin: germline.
Comment: The p.A913V variant (also known as c.2738C>T), located in coding exon 8 of the HCN4 gene, results from a C to T substitution at nucleotide position 2738. The alanine at codon 913 is replaced by valine, an amino acid with similar properties. This amino acid position is conserved. In addition, the in silico prediction for this alteration is inconclusive. Since supporting evidence is limited at this time, the clinical significance of this alteration remains unclear.

Labcorp Genetics (formerly Invitae), Labcorp
Classification: Uncertain significance for Brugada syndrome 8. Last evaluated: 2025-09-23. Review status: criteria provided, single submitter. Criteria: Invitae Variant Classification Sherloc (09022015). Collection method: clinical testing. Allele origin: germline.
Comment: This sequence change replaces alanine, which is neutral and non-polar, with valine, which is neutral and non-polar, at codon 913 of the HCN4 protein (p.Ala913Val). The frequency data for this variant in the population databases is considered unreliable, as metrics indicate poor data quality at this position in the gnomAD database. This variant has not been reported in the literature in individuals affected with HCN4-related conditions. ClinVar contains an entry for this variant (Variation ID: 1326530). Invitae Evidence Modeling of protein sequence and biophysical properties (such as structural, functional, and spatial information, amino acid conservation, physicochemical variation, residue mobility, and thermodynamic stability) indicates that this missense variant is not expected to disrupt HCN4 protein function with a negative predictive value of 95%. In summary, the available evidence is currently insufficient to determine the role of this variant in disease. Therefore, it has been classified as a Variant of Uncertain Significance.

Blueprint Genetics
Classification: Likely benign. Last evaluated: 2023-12-11. Review status: criteria provided, single submitter. Criteria: ACMG Guidelines, 2015. Collection method: clinical testing. Allele origin: germline.

Fulgent Genetics
Classification: Uncertain significance for Sick sinus syndrome 2, autosomal dominant; Brugada syndrome 8; Epilepsy, idiopathic generalized, susceptibility to, 18. Last evaluated: 2021-08-13. Review status: criteria provided, single submitter. Criteria: ACMG Guidelines, 2015. Collection method: clinical testing. Allele origin: unknown.

GeneDx
Classification: Uncertain significance. Last evaluated: 2021-05-26. Review status: criteria provided, single submitter. Criteria: GeneDx Variant Classification Process June 2021. Collection method: clinical testing. Allele origin: germline. Affected: yes.
Comment: Has not been previously published as pathogenic or benign to our knowledge; Not observed at significant frequency in large population cohorts (Lek et al., 2016); In silico analysis supports that this missense variant does not alter protein structure/function